The following is an entry in ClinVar:

ClinVar aggregate classification (germline): Uncertain significance. Review status: criteria provided, multiple submitters, no conflicts (2 of 4 stars). 3 submissions from 3 submitters: Uncertain significance (3). Last evaluated 2025-08-08.

Conditions:
Tuberous sclerosis syndrome (TSC). Also called: Tuberous Sclerosis Complex; Tuberous sclerosis. Identifiers: Orphanet 805, MedGen C0041341, MONDO:0001734.
Tuberous sclerosis 2 (TSC2). Identifiers: Orphanet 805, MedGen C1860707, MONDO:0013199, OMIM 613254.
Hereditary cancer-predisposing syndrome. Also called: Hereditary neoplastic syndrome; Tumor predisposition; Neoplastic Syndromes, Hereditary; Hereditary Cancer Syndrome. Identifiers: Orphanet 140162, MedGen C0027672, MeSH D009386, MONDO:0015356.

Submissions (3):

Ambry Genetics
Classification: Uncertain significance for Hereditary cancer-predisposing syndrome. Last evaluated: 2025-08-08. Review status: criteria provided, single submitter. Criteria: Ambry Variant Classification Scheme 2023. Collection method: clinical testing. Allele origin: germline.
Comment: The p.R786L variant (also known as c.2357G>T), located in coding exon 21 of the TSC2 gene, results from a G to T substitution at nucleotide position 2357. The arginine at codon 786 is replaced by leucine, an amino acid with dissimilar properties. This amino acid position is highly conserved in available vertebrate species. In addition, this alteration is predicted to be deleterious by in silico analysis. Based on the available evidence, the clinical significance of this variant remains unclear.

All of Us Research Program, National Institutes of Health
Classification: Uncertain significance for Tuberous sclerosis syndrome. Last evaluated: 2024-07-20. Review status: criteria provided, single submitter. Criteria: ACMG Guidelines, 2015. Collection method: clinical testing. Allele origin: germline. Inheritance: Autosomal dominant inheritance. Observed: 1 variant allele, 1 heterozygote.
Comment: This missense variant replaces arginine with leucine at codon 786 of the TSC2 protein. Computational prediction suggests that this variant may have deleterious impact on protein structure and function (internally defined REVEL score threshold >= 0.7, PMID: 27666373). To our knowledge, functional studies have not been reported for this variant. This variant has not been reported in individuals affected with TSC2-related disorders in the literature. This variant has not been identified in the general population by the Genome Aggregation Database (gnomAD). The available evidence is insufficient to determine the role of this variant in disease conclusively. Therefore, this variant is classified as a Variant of Uncertain Significance.

This study involves interpretation of variants in research participants for the purpose of population health screening. Participant phenotype was not available at the time of variant classification. Additional details can be found in publication PMID: 35346344, PMCID: PMC8962531

Labcorp Genetics (formerly Invitae), Labcorp
Classification: Uncertain significance for Tuberous sclerosis 2. Last evaluated: 2023-07-17. Review status: criteria provided, single submitter. Criteria: Invitae Variant Classification Sherloc (09022015). Collection method: clinical testing. Allele origin: germline.
Comment: In summary, the available evidence is currently insufficient to determine the role of this variant in disease. Therefore, it has been classified as a Variant of Uncertain Significance. An algorithm developed to predict the effect of missense changes on protein structure and function (PolyPhen-2) suggests that this variant is likely to be disruptive. ClinVar contains an entry for this variant (Variation ID: 1476003). This variant has not been reported in the literature in individuals affected with TSC2-related conditions. This variant is not present in population databases (gnomAD no frequency). This sequence change replaces arginine, which is basic and polar, with leucine, which is neutral and non-polar, at codon 786 of the TSC2 protein (p.Arg786Leu).

NM_000548.5(TSC2):c.2357G>T (p.Arg786Leu)

Gene: TSC2 (TSC complex subunit 2; plus strand). Cytogenetic location: 16p13.3.
Variant type: single nucleotide variant.
Coding change: c.2357G>T on transcript NM_000548.5 (MANE Select); coding-DNA position 2357, G replaced by T.
Protein change: p.Arg786Leu; replaces arginine 786 with leucine.
Molecular consequence: missense variant.
Genome position (GRCh38, 1-based): chr16:2,074,201, G>T. VCF-style: chr16-2074201-G-T. GRCh37 (hg19) VCF-style: chr16-2124202-G-T.
Other names: c.2357G>T (NM_000548.3); c.2357G>T, p.Arg786Leu (NM_001077183.3, NM_001114382.3, NM_001363528.2 and 3 more transcripts); c.2246G>T, p.Arg749Leu (NM_001318827.2); c.2210G>T, p.Arg737Leu (NM_001318829.2); c.1757G>T, p.Arg586Leu (NM_001318831.2); c.2390G>T, p.Arg797Leu (NM_001318832.2); short protein forms R749L, R786L, R797L, R737L, R586L.
Identifiers: ClinVar variation 1476003 (VCV001476003.10), dbSNP rs796053511, ClinGen allele CA394276928.
Genomic context (GRCh38, chr16:2,074,201, plus strand): 5'-GTAGGCGAGGCTGCCTCTGCTGCAAGCGGGTGGGGCCTGAGGTGTCCTGTCTCCTGCAGC[G>T]CGAGATGGTCTACTGCCTGGAGCAGGGCCTCATCCACCGCTGTGCCAGCCAGTGCGTCGT-3'
Protein context (NP_000539.2, residues 776-796): YHNYLDKTKQ[Arg786Leu]EMVYCLEQGL